The following is an entry in ClinVar:

NM_203486.3(DLL3):c.1291_1307dup (p.Pro437fs)

Genes: DLL3 (delta like canonical Notch ligand 3; plus strand), LOC130064418 (ATAC-STARR-seq lymphoblastoid silent region 10609; plus strand). Cytogenetic location: 19q13.2.
Variant type: Duplication.
Coding change: c.1291_1307dup on transcript NM_203486.3 (MANE Select); coding-DNA positions 1291 to 1307, 17 bases duplicated (GACCCGTGCGCCGCGCG).
Protein change: p.Pro437fs; shifts the reading frame from proline 437.
Molecular consequence: frameshift variant.
Genome position (GRCh38, 1-based): chr19:39,507,236-39,507,252, GACCCGTGCGCCGCGCG duplicated; duplicating any 17 consecutive bases within chr19:39,507,230-39,507,252 gives the same sequence; the c. name uses the placement nearest the transcript's 3' end. VCF-style (leftmost placement, unchanged base first): chr19-39507229-G-GCGCGCGGACCCGTGCGC. GRCh37 (hg19) VCF-style: chr19-39997869-G-GCGCGCGGACCCGTGCGC.
Other names: c.1291_1307dup, p.Pro437fs (NM_016941.4); short protein forms P437fs.
Identifiers: ClinVar variation 6831 (VCV000006831.19), dbSNP rs777791545, ClinGen allele CA253973.

ClinVar aggregate classification (germline): Pathogenic. Review status: criteria provided, single submitter (1 of 4 stars). 2 submissions from 2 submitters: Pathogenic (1). 1 of the submissions does not count toward it. Last evaluated 2024-09-01.

Conditions:
Spondylocostal dysostosis 1, autosomal recessive (SCDO1). Also called: DLL3-Related Spondylocostal Dysostosis, Autosomal Recessive. Identifiers: Orphanet 2311, MedGen CN032975, MONDO:0020692, OMIM 277300.

Submissions (2):

CeGaT Center for Human Genetics Tuebingen
Classification: Pathogenic. Last evaluated: 2024-09-01. Review status: criteria provided, single submitter. Criteria: CeGaT Center For Human Genetics Tuebingen Variant Classification Criteria Version 2. Collection method: clinical testing. Allele origin: germline. Affected: yes. Observed: 3 variant alleles.
Comment: DLL3: PVS1, PM3:Strong, PM2, PP4

OMIM
Classification: Pathogenic for SPONDYLOCOSTAL DYSOSTOSIS 1, AUTOSOMAL RECESSIVE. Last evaluated: 2003-07-01. Review status: no assertion criteria provided. Collection method: literature only. Allele origin: germline. Not counted in ClinVar's aggregate classification.

Literature cited by the submitters: PubMed 12791036 (cited by OMIM).